The following is an entry in ClinVar:

ClinVar aggregate classification (germline): Likely pathogenic (1 of 4 stars; one submission).

Conditions:
Nephronophthisis. Also called: Juvenile Nephronophthisis. Identifiers: Orphanet 655, MedGen C0687120, MONDO:0019005, HP:0000090.

gnomAD v4.1: 1 of 1,545,134 alleles (0.000065%); highest among the groups gnomAD compares: Non-Finnish European, 0.000088%; no homozygotes.

Submission:

Labcorp Genetics (formerly Invitae), Labcorp
Classification: Likely pathogenic for Nephronophthisis. Last evaluated: 2023-10-03. Review status: criteria provided, single submitter. Criteria: Invitae Variant Classification Sherloc (09022015). Collection method: clinical testing. Allele origin: germline.
Comment: This sequence change affects a donor splice site in intron 4 of the NPHP4 gene. It is expected to disrupt RNA splicing. Variants that disrupt the donor or acceptor splice site typically lead to a loss of protein function (PMID: 16199547), and loss-of-function variants in NPHP4 are known to be pathogenic (PMID: 12205563, 23559409). This variant is not present in population databases (gnomAD no frequency). This variant has not been reported in the literature in individuals affected with NPHP4-related conditions. ClinVar contains an entry for this variant (Variation ID: 1516140). Algorithms developed to predict the effect of sequence changes on RNA splicing suggest that this variant may disrupt the consensus splice site. In summary, the currently available evidence indicates that the variant is pathogenic, but additional data are needed to prove that conclusively. Therefore, this variant has been classified as Likely Pathogenic.

Literature cited by the submitters: PubMed 16199547; PubMed 12205563; PubMed 23559409.

NM_015102.5(NPHP4):c.452+1G>T

Gene: NPHP4 (nephrocystin 4; minus strand). Cytogenetic location: 1p36.31.
Variant type: single nucleotide variant.
Coding change: c.452+1G>T on transcript NM_015102.5 (MANE Select); the canonical splice donor site of the intron after coding-DNA position 452, G replaced by T.
Molecular consequence: splice donor variant.
Genome position (GRCh38, 1-based): chr1:5,969,086, C>A on the plus strand (G>T on the coding strand, the complement: NPHP4 is on the minus strand). VCF-style: chr1-5969086-C-A. GRCh37 (hg19) VCF-style: chr1-6029146-C-A.
Other names: c.-915+1G>T (NM_001291594.2); c.-778+1G>T (NM_001291593.2).
Identifiers: ClinVar variation 1516140 (VCV001516140.8), dbSNP rs1195128294, ClinGen allele CA338050014.
Genomic context (GRCh38, chr1:5,969,086, plus strand): 5'-CAAAAAAAAAAAAAAAGACAGACGCTGGAAAACCCCAGGGTTGTAGAAACAAGGCAGGTA[C>A]CTTTTGTCCTGGGAAGCAGAGATAGGAGAGTCCGGCTGGTTGCTGAAGATCCGAAGAATT-3'